The following is an entry in ClinVar:

ClinVar aggregate classification (germline): Uncertain significance (1 of 4 stars; one submission).

Conditions:
Inborn genetic diseases. Identifiers: MedGen C0950123, MeSH D030342.

Submission:

Ambry Genetics
Classification: Uncertain significance for Inborn genetic diseases. Last evaluated: 2021-06-02. Review status: criteria provided, single submitter. Criteria: Ambry Variant Classification Scheme 2023. Collection method: clinical testing. Allele origin: germline.
Comment: The c.844A>T (p.I282F) alteration is located in exon 9 (coding exon 9) of the RELN gene. This alteration results from a A to T substitution at nucleotide position 844, causing the isoleucine (I) at amino acid position 282 to be replaced by a phenylalanine (F). The in silico prediction for the p.I282F alteration is inconclusive. Based on insufficient or conflicting evidence, the clinical significance of this alteration remains unclear.

NM_005045.4(RELN):c.844A>T (p.Ile282Phe)

Gene: RELN (reelin; minus strand). Cytogenetic location: 7q22.1.
Variant type: single nucleotide variant.
Coding change: c.844A>T on transcript NM_005045.4 (MANE Select); coding-DNA position 844, A replaced by T.
Protein change: p.Ile282Phe; replaces isoleucine 282 with phenylalanine.
Molecular consequence: missense variant.
Genome position (GRCh38, 1-based): chr7:103,700,968, T>A on the plus strand (A>T on the coding strand, the complement: RELN is on the minus strand). VCF-style: chr7-103700968-T-A. GRCh37 (hg19) VCF-style: chr7-103341415-T-A.
Other names: c.844A>T, p.Ile282Phe (NM_173054.3); short protein forms I282F.
Identifiers: ClinVar variation 2231288 (VCV002231288.2), dbSNP rs753624426, ClinGen allele CA368928079.
Genomic context (GRCh38, chr7:103,700,968, plus strand): 5'-ACCTAATTTTCTCTAGCTGAATCCAGTCCGCAGAGTTATTCTTGGCATATAACACGATGA[T>A]GCTGGGGTCTGAATAACTAAAGCGACATGAACCTGACCCTGTAAATAGCAATAACAATAA-3'
Protein context (NP_005036.2, residues 272-292): SCRFSYSDPS[Ile282Phe]IVLYAKNNSA